The following is an entry in ClinVar:

NM_000070.3(CAPN3):c.227del (p.Val76fs)

Gene: CAPN3 (calpain 3; plus strand). Cytogenetic location: 15q15.1.
Variant type: Deletion.
Coding change: c.227del on transcript NM_000070.3 (MANE Select); coding-DNA position 227, one base deleted (T; older notation c.227delT).
Protein change: p.Val76fs; shifts the reading frame from valine 76.
Molecular consequence: frameshift variant.
Genome position (GRCh38, 1-based): chr15:42,360,032, T deleted. VCF-style (leftmost placement, unchanged base first): chr15-42360031-GT-G. GRCh37 (hg19) VCF-style: chr15-42652229-GT-G.
Other names: c.227del, p.Val76fs (NM_024344.2, NM_173087.2); short protein forms V76fs.
Identifiers: ClinVar variation 3723516 (VCV003723516.2).

ClinVar aggregate classification (germline): Pathogenic (1 of 4 stars; one submission).

Conditions:
Autosomal recessive limb-girdle muscular dystrophy type 2A (LGMDR1). Also called: MUSCULAR DYSTROPHY, PELVOFEMORAL; Muscular dystrophy, limb-girdle, type 2A, Amish; Limb-girdle muscular dystrophy, type 2A; LEYDEN-MOEBIUS MUSCULAR DYSTROPHY; Calpainopathy. Identifiers: Orphanet 267, MedGen C1869123, MONDO:0009675, OMIM 253600. Disease mechanism: loss of function.

Submission:

Labcorp Genetics (formerly Invitae), Labcorp
Classification: Pathogenic for Autosomal recessive limb-girdle muscular dystrophy type 2A. Last evaluated: 2024-10-22. Review status: criteria provided, single submitter. Criteria: Invitae Variant Classification Sherloc (09022015). Collection method: clinical testing. Allele origin: germline.
Comment: This sequence change creates a premature translational stop signal (p.Val76Glyfs*51) in the CAPN3 gene. It is expected to result in an absent or disrupted protein product. Loss-of-function variants in CAPN3 are known to be pathogenic (PMID: 10330340, 15689361). This variant is not present in population databases (gnomAD no frequency). This variant has not been reported in the literature in individuals affected with CAPN3-related conditions. For these reasons, this variant has been classified as Pathogenic.

Literature cited by the submitters: PubMed 10330340; PubMed 15689361.